The following is an entry in ClinVar:

NM_020754.4(ARHGAP31):c.365G>A (p.Cys122Tyr)

Gene: ARHGAP31 (Rho GTPase activating protein 31; plus strand). Cytogenetic location: 3q13.33.
Variant type: single nucleotide variant.
Coding change: c.365G>A on transcript NM_020754.4 (MANE Select); coding-DNA position 365, G replaced by A.
Protein change: p.Cys122Tyr; replaces cysteine 122 with tyrosine.
Molecular consequence: missense variant.
Genome position (GRCh38, 1-based): chr3:119,380,920, G>A. VCF-style: chr3-119380920-G-A. GRCh37 (hg19) VCF-style: chr3-119099767-G-A.
Other names: c.365G>A (NM_020754.2); short protein forms C122Y.
Identifiers: ClinVar variation 3058386 (VCV003058386.3), dbSNP rs202229113, ClinGen allele CA2553547.

ClinVar aggregate classification (germline): Uncertain significance. Review status: criteria provided, single submitter (1 of 4 stars). 2 submissions from 2 submitters: Uncertain significance (1). 1 of the submissions does not count toward it. Last evaluated 2025-08-04.

Conditions:
Inborn genetic diseases. Identifiers: MedGen C0950123, MeSH D030342.
ARHGAP31-related disorder. Also called: ARHGAP31-related condition.

Allele frequency attached by ClinVar (database versions not stated): gnomAD exomes below 0.00001; ExAC 0.00002; gnomAD 0.00002; TOPMed 0.00003; 1000 Genomes Project 30x 0.00031; 1000 Genomes Project 0.00040.
gnomAD v4.1: 8 of 1,614,132 alleles (0.0005%); highest among the groups gnomAD compares: Admixed American, 0.0067%; no homozygotes.

Submissions (2):

Ambry Genetics
Classification: Uncertain significance for Inborn genetic diseases. Last evaluated: 2025-08-04. Review status: criteria provided, single submitter. Criteria: Ambry Variant Classification Scheme 2023. Collection method: clinical testing. Allele origin: germline.

PreventionGenetics, part of Exact Sciences
Classification: Uncertain significance for ARHGAP31-related condition. Last evaluated: 2023-12-01. Review status: no assertion criteria provided. Collection method: clinical testing. Allele origin: germline. Not counted in ClinVar's aggregate classification.
Comment: The ARHGAP31 c.365G>A variant is predicted to result in the amino acid substitution p.Cys122Tyr. To our knowledge, this variant has not been reported in the literature. This variant is reported in 0.0029% of alleles in individuals of Latino descent in gnomAD. At this time, the clinical significance of this variant is uncertain due to the absence of conclusive functional and genetic evidence.